The following is an entry in ClinVar:

NM_022765.4(MICAL1):c.3146G>A (p.Arg1049His)

Gene: MICAL1 (microtubule associated monooxygenase, calponin and LIM domain containing 1; minus strand). Cytogenetic location: 6q21.
Variant type: single nucleotide variant.
Coding change: c.3146G>A on transcript NM_022765.4 (MANE Select); coding-DNA position 3146, G replaced by A.
Protein change: p.Arg1049His; replaces arginine 1049 with histidine.
Molecular consequence: missense variant.
Genome position (GRCh38, 1-based): chr6:109,444,249, C>T on the plus strand (G>A on the coding strand, the complement: MICAL1 is on the minus strand). VCF-style: chr6-109444249-C-T. GRCh37 (hg19) VCF-style: chr6-109765452-C-T.
Other names: c.2888G>A, p.Arg963His (NM_001159291.2); c.3203G>A, p.Arg1068His (NM_001286613.2); short protein forms R963H, R1049H, R1068H.
Identifiers: ClinVar variation 1969533 (VCV001969533.5), dbSNP rs368885343, ClinGen allele CA145116098.

ClinVar aggregate classification (germline): Uncertain significance (1 of 4 stars; one submission).

Allele frequency attached by ClinVar (database versions not stated): gnomAD 0.00001; gnomAD exomes 0.00001; TOPMed 0.00003; ESP Exome Variant Server 0.00008.

Submission:

Labcorp Genetics (formerly Invitae), Labcorp
Classification: Uncertain significance. Last evaluated: 2023-04-14. Review status: criteria provided, single submitter. Criteria: Invitae Variant Classification Sherloc (09022015). Collection method: clinical testing. Allele origin: germline.
Comment: In summary, the available evidence is currently insufficient to determine the role of this variant in disease. Therefore, it has been classified as a Variant of Uncertain Significance. An algorithm developed to predict the effect of missense changes on protein structure and function (PolyPhen-2) suggests that this variant is likely to be tolerated. ClinVar contains an entry for this variant (Variation ID: 1969533). This variant has not been reported in the literature in individuals affected with MICAL1-related conditions. This variant is present in population databases (rs368885343, gnomAD 0.004%). This sequence change replaces arginine, which is basic and polar, with histidine, which is basic and polar, at codon 1068 of the MICAL1 protein (p.Arg1068His).